The following is an entry in ClinVar:

ClinVar aggregate classification (germline): Likely benign. Review status: criteria provided, multiple submitters, no conflicts (2 of 4 stars). 3 submissions from 3 submitters: Likely benign (3). Last evaluated 2024-08-25.

Conditions:
Cardiovascular phenotype. Identifiers: MedGen CN230736.
Arrhythmogenic right ventricular dysplasia 5. Also called: Arrhythmogenic Right Ventricular Dysplasia/Cardiomyopathy 5; ARRHYTHMOGENIC RIGHT VENTRICULAR DYSPLASIA, FAMILIAL, 5. Identifiers: MedGen C1858379, MONDO:0011459, OMIM 604400.

Allele frequency attached by ClinVar (database versions not stated): gnomAD exomes below 0.00001; ExAC 0.00001; 1000 Genomes Project 30x 0.00031; 1000 Genomes Project 0.00040.
gnomAD v4.1: 1 of 1,612,772 alleles (0.000062%); highest among the groups gnomAD compares: South Asian, 0.0011%; no homozygotes.

Submissions (3):

Ambry Genetics
Classification: Likely benign for Cardiovascular phenotype. Last evaluated: 2024-08-25. Review status: criteria provided, single submitter. Criteria: Ambry Variant Classification Scheme 2023. Collection method: clinical testing. Allele origin: germline.

All of Us Research Program, National Institutes of Health
Classification: Likely benign for Arrhythmogenic right ventricular dysplasia 5. Last evaluated: 2024-05-14. Review status: criteria provided, single submitter. Criteria: ACMG Guidelines, 2015. Collection method: clinical testing. Allele origin: germline. Inheritance: Autosomal dominant inheritance. Observed: 1 variant allele, 1 heterozygote.
Comment: This study involves interpretation of variants in research participants for the purpose of population health screening. Participant phenotype was not available at the time of variant classification. Additional details can be found in publication PMID: 35346344, PMCID: PMC8962531

Labcorp Genetics (formerly Invitae), Labcorp
Classification: Likely benign for Arrhythmogenic right ventricular dysplasia 5. Last evaluated: 2021-08-23. Review status: criteria provided, single submitter. Criteria: Invitae Variant Classification Sherloc (09022015). Collection method: clinical testing. Allele origin: germline.

NM_024334.3(TMEM43):c.744G>A (p.Leu248=)

Gene: TMEM43 (transmembrane protein 43; plus strand). Cytogenetic location: 3p25.1.
Variant type: single nucleotide variant.
Coding change: c.744G>A on transcript NM_024334.3 (MANE Select); coding-DNA position 744, G replaced by A.
Protein change: p.Leu248=; no amino-acid change (leucine 248 retained).
Molecular consequence: synonymous variant.
Genome position (GRCh38, 1-based): chr3:14,135,196, G>A. VCF-style: chr3-14135196-G-A. GRCh37 (hg19) VCF-style: chr3-14176696-G-A.
Other names: c.744G>A (NM_024334.2).
Identifiers: ClinVar variation 1579834 (VCV001579834.10), dbSNP rs533455369, ClinGen allele CA055217.